The following is an entry in ClinVar:

ClinVar aggregate classification (germline): Uncertain significance (1 of 4 stars; one submission).

Conditions:
Early-infantile DEE. Also called: Early infantile epileptic encephalopathy; Ohtahara syndrome; Early infantile epileptic encephalopathy with suppression bursts. Identifiers: Orphanet 1934, MedGen C0393706, MONDO:0800491.

Allele frequency attached by ClinVar (database versions not stated): gnomAD exomes below 0.00001; gnomAD 0.00001.
gnomAD v4.1: 4 of 1,604,876 alleles (0.00025%); highest among the groups gnomAD compares: African/African-American, 0.0027%; no homozygotes.

Submission:

Labcorp Genetics (formerly Invitae), Labcorp
Classification: Uncertain significance for Early-infantile DEE. Last evaluated: 2021-03-05. Review status: criteria provided, single submitter. Criteria: Invitae Variant Classification Sherloc (09022015). Collection method: clinical testing. Allele origin: germline.
Comment: Algorithms developed to predict the effect of missense changes on protein structure and function do not agree on the potential impact of this missense change (SIFT: "Deleterious"; PolyPhen-2: "Benign"; Align-GVGD: "Class C25"). This variant identified in the SCN1A gene is located in the cytoplasmic interlinker D3-D4 region of the resulting protein (PMID: 25348405, 18804930), but it is unclear how this variant impacts the function of this protein. This variant has not been reported in the literature in individuals with SCN1A-related disease. This variant is not present in population databases (ExAC no frequency). In summary, the available evidence is currently insufficient to determine the role of this variant in disease. Therefore, it has been classified as a Variant of Uncertain Significance. This sequence change replaces isoleucine with valine at codon 1523 of the SCN1A protein (p.Ile1523Val). The isoleucine residue is highly conserved and there is a small physicochemical difference between isoleucine and valine.

Literature cited by the submitters: PubMed 25348405; PubMed 18804930.

NM_001165963.4(SCN1A):c.4567A>G (p.Ile1523Val)

Genes: SCN1A (sodium voltage-gated channel alpha subunit 1; minus strand), LOC102724058 (uncharacterized LOC102724058; plus strand). Cytogenetic location: 2q24.3.
Variant type: single nucleotide variant.
Coding change: c.4567A>G on transcript NM_001165963.4 (MANE Select); coding-DNA position 4567, A replaced by G.
Protein change: p.Ile1523Val; replaces isoleucine 1523 with valine.
Molecular consequence: missense variant. On other transcripts: non-coding transcript variant (1).
Genome position (GRCh38, 1-based): chr2:165,996,027, T>C on the plus strand (A>G on the coding strand, the complement: SCN1A is on the minus strand). VCF-style: chr2-165996027-T-C. GRCh37 (hg19) VCF-style: chr2-166852537-T-C.
Other names: c.4483A>G, p.Ile1495Val (NM_001165964.3, NM_001353957.2, NM_001353958.2); c.4567A>G, p.Ile1523Val (NM_001202435.3, NM_001353948.2); c.4534A>G, p.Ile1512Val (NM_001353949.2, NM_001353950.2, NM_001353951.2 and 2 more transcripts); c.4531A>G, p.Ile1511Val (NM_001353954.2, NM_001353955.2); c.4480A>G, p.Ile1494Val (NM_001353960.2); c.2125A>G, p.Ile709Val (NM_001353961.2); short protein forms I1512V, I1523V, I1495V, I1511V, I1494V, I709V.
Identifiers: ClinVar variation 461274 (VCV000461274.9), dbSNP rs1474960995, ClinGen allele CA349048561.
Genomic context (GRCh38, chr2:165,996,027, plus strand): 5'-GTTTTTGTTTTTGTATTTTTCCCCCATATCATTTGATACTTCTTACTCCTGGTCGAGGTA[T>C]AGGCTTTTGCGGTTTTTTCGATCCTAATTTTTTCATTGCATTATAGTATTTCTTCTGTTC-3'
Protein context (NP_001159435.1, residues 1513-1533): KLGSKKPQKP[Ile1523Val]PRPGNKFQGM